The following is an entry in ClinVar:

ClinVar aggregate classification (germline): Uncertain significance (1 of 4 stars; one submission).

Conditions:
Progressive myoclonic epilepsy type 5. Identifiers: Orphanet 402082, MedGen C5190799.

Allele frequency attached by ClinVar (database versions not stated): gnomAD exomes below 0.00001; ExAC 0.00001.
gnomAD v4.1: 3 of 1,614,160 alleles (0.00019%); highest among the groups gnomAD compares: Admixed American, 0.0017%; no homozygotes.

Submission:

Labcorp Genetics (formerly Invitae), Labcorp
Classification: Uncertain significance for Progressive myoclonic epilepsy type 5. Last evaluated: 2020-03-10. Review status: criteria provided, single submitter. Criteria: Invitae Variant Classification Sherloc (09022015). Collection method: clinical testing. Allele origin: germline.
Comment: This sequence change replaces asparagine with serine at codon 786 of the PRICKLE2 protein (p.Asn786Ser). The asparagine residue is highly conserved and there is a small physicochemical difference between asparagine and serine. This variant is present in population databases (rs775899030, ExAC 0.001%). In summary, the available evidence is currently insufficient to determine the role of this variant in disease. Therefore, it has been classified as a Variant of Uncertain Significance. Algorithms developed to predict the effect of missense changes on protein structure and function are either unavailable or do not agree on the potential impact of this missense change (SIFT: "Deleterious"; PolyPhen-2: "Benign"; Align-GVGD: "Class C15"). This variant has not been reported in the literature in individuals with PRICKLE2-related conditions.

NM_198859.4(PRICKLE2):c.2357A>G (p.Asn786Ser)

Genes: PRICKLE2 (prickle planar cell polarity protein 2; minus strand), PRICKLE2-AS1 (PRICKLE2 antisense RNA 1; plus strand). Cytogenetic location: 3p14.1.
Variant type: single nucleotide variant.
Coding change: c.2357A>G on transcript NM_198859.4 (MANE Select); coding-DNA position 2357, A replaced by G.
Protein change: p.Asn786Ser; replaces asparagine 786 with serine.
Molecular consequence: missense variant. On other transcripts: non-coding transcript variant (1).
Genome position (GRCh38, 1-based): chr3:64,099,229, T>C on the plus strand (A>G on the coding strand, the complement: PRICKLE2 is on the minus strand). VCF-style: chr3-64099229-T-C. GRCh37 (hg19) VCF-style: chr3-64084905-T-C.
Other names: c.2357A>G, p.Asn786Ser (NM_001370528.1); short protein forms N786S.
Identifiers: ClinVar variation 1054733 (VCV001054733.5), dbSNP rs775899030, ClinGen allele CA2479450.